The following is an entry in ClinVar:

NM_022552.5(DNMT3A):c.2317C>T (p.Leu773Phe)

Gene: DNMT3A (DNA methyltransferase 3 alpha; minus strand). Cytogenetic location: 2p23.3.
Variant type: single nucleotide variant.
Coding change: c.2317C>T on transcript NM_022552.5 (MANE Select); coding-DNA position 2317, C replaced by T.
Protein change: p.Leu773Phe; replaces leucine 773 with phenylalanine.
Molecular consequence: missense variant. On other transcripts: non-coding transcript variant (1).
Genome position (GRCh38, 1-based): chr2:25,240,307, G>A on the plus strand (C>T on the coding strand, the complement: DNMT3A is on the minus strand). VCF-style: chr2-25240307-G-A. GRCh37 (hg19) VCF-style: chr2-25463176-G-A.
Other names: c.1861C>T, p.Leu621Phe (NM_001320893.1); c.1648C>T, p.Leu550Phe (NM_001375819.1); c.1750C>T, p.Leu584Phe (NM_153759.3); c.2317C>T, p.Leu773Phe (NM_175629.2); short protein forms L621F, L584F, L550F, L773F.
Identifiers: ClinVar variation 4013923 (VCV004013923.1).

ClinVar aggregate classification (germline): Uncertain significance (1 of 4 stars; one submission).

Conditions:
Inborn genetic diseases. Identifiers: MedGen C0950123, MeSH D030342.

Submission:

Ambry Genetics
Classification: Uncertain significance for Inborn genetic diseases. Last evaluated: 2025-05-05. Review status: criteria provided, single submitter. Criteria: Ambry Variant Classification Scheme 2023. Collection method: clinical testing. Allele origin: germline.
Comment: The p.L773F variant (also known as c.2317C>T), located in coding exon 18 of the DNMT3A gene, results from a C to T substitution at nucleotide position 2317. The leucine at codon 773 is replaced by phenylalanine, an amino acid with highly similar properties. This amino acid position is conserved. In addition, this alteration is predicted to be deleterious by in silico analysis. Based on the available evidence, the clinical significance of this variant remains unclear.